The following is an entry in ClinVar:

ClinVar aggregate classification (germline): Likely pathogenic. Review status: criteria provided, single submitter (1 of 4 stars). 2 submissions from 2 submitters: Likely pathogenic (1). 1 of the submissions does not count toward it. Last evaluated 2016-03-02.

Conditions:
Developmental and epileptic encephalopathy, 24 (DEE24). Also called: Epileptic encephalopathy, early infantile, 24. Identifiers: Orphanet 442835, MedGen C4014531, MONDO:0014377, OMIM 615871.

Submissions (2):

GeneDx
Classification: Likely pathogenic. Last evaluated: 2016-03-02. Review status: criteria provided, single submitter. Criteria: GeneDx Variant Classification (06012015). Collection method: clinical testing. Allele origin: germline. Affected: yes.
Comment: The M305L variant in the HCN1 gene has not been reported previously as a pathogenic variant, nor as a benign variant, to our knowledge. The M305L variant was not observed in approximately 6500 individuals of European and African American ancestry in the NHLBI Exome Sequencing Project, indicating it is not a common benign variant in these populations. The M305L variant is a conservative amino acid substitution, which occurs at a position that is conserved across species. In silico analysis is inconsistent in its predictions as to whether or not the variant is damaging to the protein structure/function. The M305L variant is a strong candidate for a pathogenic variant.

OMIM
Classification: Pathogenic for DEVELOPMENTAL AND EPILEPTIC ENCEPHALOPATHY 24. Last evaluated: 2021-09-08. Review status: no assertion criteria provided. Collection method: literature only. Allele origin: germline. Not counted in ClinVar's aggregate classification.

Literature cited by the submitters: PubMed 30351409 (cited by OMIM); PubMed 33822003 (cited by OMIM).

NM_021072.4(HCN1):c.913A>T (p.Met305Leu)

Gene: HCN1 (hyperpolarization activated cyclic nucleotide gated potassium channel 1; minus strand). Cytogenetic location: 5p12.
Variant type: single nucleotide variant.
Coding change: c.913A>T on transcript NM_021072.4 (MANE Select); coding-DNA position 913, A replaced by T.
Protein change: p.Met305Leu; replaces methionine 305 with leucine.
Molecular consequence: missense variant.
Genome position (GRCh38, 1-based): chr5:45,461,944, T>A on the plus strand (A>T on the coding strand, the complement: HCN1 is on the minus strand). VCF-style: chr5-45461944-T-A. GRCh37 (hg19) VCF-style: chr5-45462046-T-A.
Other names: short protein forms M305L.
Identifiers: ClinVar variation 384546 (VCV000384546.3), dbSNP rs1057521989, ClinGen allele CA16604906.